The following is an entry in ClinVar:

NM_002435.3(MPI):c.661T>A (p.Ser221Thr)

Gene: MPI (mannose phosphate isomerase; plus strand). Cytogenetic location: 15q24.1.
Variant type: single nucleotide variant.
Coding change: c.661T>A on transcript NM_002435.3 (MANE Select); coding-DNA position 661, T replaced by A.
Protein change: p.Ser221Thr; replaces serine 221 with threonine.
Molecular consequence: missense variant. On other transcripts: intron variant (1).
Genome position (GRCh38, 1-based): chr15:74,893,311, T>A. VCF-style: chr15-74893311-T-A. GRCh37 (hg19) VCF-style: chr15-75185652-T-A.
Other names: c.661T>A, p.Ser221Thr (NM_001289155.2); c.511T>A, p.Ser171Thr (NM_001289156.2); c.601T>A, p.Ser201Thr (NM_001330372.2); c.487+509T>A (NM_001289157.2); short protein forms S171T, S201T, S221T.
Identifiers: ClinVar variation 2146389 (VCV002146389.1), dbSNP rs1202432300, ClinGen allele CA393174842.
Genomic context (GRCh38, chr15:74,893,311, plus strand): 5'-CTGATGAAGAGTGAGAAGAAGGTGGTGGTGGAACAGCTCAACCTGTTGGTGAAGCGGATC[T>A]CCCAGCAAGGTGGACACAGTTATATTCCTGGTTGGGTGCAATGCTCTGGCCTGGGCTTCC-3'
Protein context (NP_002426.1, residues 211-231): EQLNLLVKRI[Ser221Thr]QQAAAGNNME

ClinVar aggregate classification (germline): Uncertain significance (1 of 4 stars; one submission).

Conditions:
MPI-congenital disorder of glycosylation. Also called: MPI-CDG; CDG Ib; MPI DEFICIENCY; MANNOSEPHOSPHATE ISOMERASE DEFICIENCY; PROTEIN-LOSING ENTEROPATHY-HEPATIC FIBROSIS SYNDROME; CONGENITAL DISORDER OF GLYCOSYLATION, TYPE Ib. Identifiers: Orphanet 79319, MedGen C1865145, MONDO:0011257, OMIM 602579.

Allele frequency attached by ClinVar (database versions not stated): TOPMed 0.00001.
gnomAD v4.1: 23 of 1,614,150 alleles (0.0014%); highest among the groups gnomAD compares: Non-Finnish European, 0.0019%; no homozygotes.

Submission:

Labcorp Genetics (formerly Invitae), Labcorp
Classification: Uncertain significance for MPI-congenital disorder of glycosylation. Last evaluated: 2022-07-16. Review status: criteria provided, single submitter. Criteria: Invitae Variant Classification Sherloc (09022015). Collection method: clinical testing. Allele origin: germline.
Comment: This sequence change replaces serine, which is neutral and polar, with threonine, which is neutral and polar, at codon 221 of the MPI protein (p.Ser221Thr). This variant is not present in population databases (gnomAD no frequency). This variant has not been reported in the literature in individuals affected with MPI-related conditions. Algorithms developed to predict the effect of missense changes on protein structure and function (SIFT, PolyPhen-2, Align-GVGD) all suggest that this variant is likely to be tolerated. In summary, the available evidence is currently insufficient to determine the role of this variant in disease. Therefore, it has been classified as a Variant of Uncertain Significance.